The following is an entry in ClinVar:

NM_001079.4(ZAP70):c.681C>T (p.Thr227=)

Gene: ZAP70 (zeta chain of T cell receptor associated protein kinase 70; plus strand). Cytogenetic location: 2q11.2.
Variant type: single nucleotide variant.
Coding change: c.681C>T on transcript NM_001079.4 (MANE Select); coding-DNA position 681, C replaced by T.
Protein change: p.Thr227=; no amino-acid change (threonine 227 retained).
Molecular consequence: synonymous variant.
Genome position (GRCh38, 1-based): chr2:97,733,000, C>T. VCF-style: chr2-97733000-C-T. GRCh37 (hg19) VCF-style: chr2-98349463-C-T.
Other names: p.Thr227=; c.681C>T, p.Thr227= (NM_001378594.1).
Identifiers: ClinVar variation 785718 (VCV000785718.13), dbSNP rs200278286, ClinGen allele CA1790168.

ClinVar aggregate classification (germline): Likely benign. Review status: criteria provided, multiple submitters, no conflicts (2 of 4 stars). 3 submissions from 3 submitters: Likely benign (3). Last evaluated 2025-12-31.

Conditions:
Combined immunodeficiency due to ZAP70 deficiency (IMD48). Also called: ZAP70 Deficiency; Immunodeficiency 48. Identifiers: Orphanet 911, MedGen C2931299, MONDO:0010023, OMIM 269840.

Allele frequency attached by ClinVar (database versions not stated): ESP Exome Variant Server 0.00008; gnomAD 0.00006 and 0.00005; gnomAD exomes 0.00008 and 0.00006; ExAC 0.00009; TOPMed 0.00006.
gnomAD v4.1: 120 of 1,613,986 alleles (0.0074%); highest among the groups gnomAD compares: Non-Finnish European, 0.01%; no homozygotes.

Submissions (3):

Labcorp Genetics (formerly Invitae), Labcorp
Classification: Likely benign for Combined immunodeficiency due to ZAP70 deficiency. Last evaluated: 2025-12-31. Review status: criteria provided, single submitter. Criteria: Invitae Variant Classification Sherloc (09022015). Collection method: clinical testing. Allele origin: germline.

Mayo Clinic Laboratories, Mayo Clinic
Classification: Likely benign. Last evaluated: 2025-09-10. Review status: criteria provided, single submitter. Criteria: ACMG Guidelines, 2015. Collection method: clinical testing. Allele origin: germline. Observed: 1 variant allele.
Comment: BP4, BP7

Blueprint Genetics
Classification: Likely benign. Last evaluated: 2024-10-25. Review status: criteria provided, single submitter. Criteria: ACMG Guidelines, 2015. Collection method: clinical testing. Allele origin: germline.